The following is an entry in ClinVar:

ClinVar aggregate classification (germline): Uncertain significance (1 of 4 stars; one submission).

Conditions:
Gorlin syndrome. Also called: Nevoid Basal Cell Carcinoma Syndrome; Basal cell nevus syndrome. Identifiers: Orphanet 377, MedGen C0004779, MONDO:0007187.

Submission:

Labcorp Genetics (formerly Invitae), Labcorp
Classification: Uncertain significance for Gorlin syndrome. Last evaluated: 2024-08-13. Review status: criteria provided, single submitter. Criteria: Invitae Variant Classification Sherloc (09022015). Collection method: clinical testing. Allele origin: germline.
Comment: This sequence change replaces leucine, which is neutral and non-polar, with proline, which is neutral and non-polar, at codon 517 of the PTCH1 protein (p.Leu517Pro). This variant is not present in population databases (gnomAD no frequency). This variant has not been reported in the literature in individuals affected with PTCH1-related conditions. Advanced modeling of protein sequence and biophysical properties (such as structural, functional, and spatial information, amino acid conservation, physicochemical variation, residue mobility, and thermodynamic stability) has been performed at Invitae for this missense variant, however the output from this modeling did not meet the statistical confidence thresholds required to predict the impact of this variant on PTCH1 protein function. In summary, the available evidence is currently insufficient to determine the role of this variant in disease. Therefore, it has been classified as a Variant of Uncertain Significance.

NM_000264.5(PTCH1):c.1550T>C (p.Leu517Pro)

Gene: PTCH1 (patched 1; minus strand). Cytogenetic location: 9q22.32.
Variant type: single nucleotide variant.
Coding change: c.1550T>C on transcript NM_000264.5 (MANE Select); coding-DNA position 1550, T replaced by C.
Protein change: p.Leu517Pro; replaces leucine 517 with proline.
Molecular consequence: missense variant. On other transcripts: non-coding transcript variant (1).
Genome position (GRCh38, 1-based): chr9:95,476,811, A>G on the plus strand (T>C on the coding strand, the complement: PTCH1 is on the minus strand). VCF-style: chr9-95476811-A-G. GRCh37 (hg19) VCF-style: chr9-98239093-A-G.
Other names: c.1352T>C, p.Leu451Pro (NM_001083602.3); c.1547T>C, p.Leu516Pro (NM_001083603.3); c.1097T>C, p.Leu366Pro (NM_001083604.3, NM_001083605.3, NM_001083606.3 and 1 more transcripts); c.1394T>C, p.Leu465Pro (NM_001354918.2); short protein forms L366P, L465P, L517P, L451P, L516P.
Identifiers: ClinVar variation 2999839 (VCV002999839.3), dbSNP rs2538199857, ClinGen allele CA374118258.